The following is an entry in ClinVar:

ClinVar aggregate classification (germline): Conflicting classifications of pathogenicity. Review status: criteria provided, conflicting classifications (1 of 4 stars). 3 submissions from 3 submitters: Uncertain significance (1); Benign (1); Likely benign (1). Last evaluated 2026-06-09.

Conditions:
Inborn genetic diseases. Identifiers: MedGen C0950123, MeSH D030342.
Tumor predisposition syndrome 2 (TPDS2). Also called: MBD4-ASSOCIATED NEOPLASIA SYNDROME; MBD4-Related Tumor Predisposition Syndrome; MBD4-associated neoplasia syndrome (MANS). Identifiers: Orphanet 661526, MedGen C5774186, MONDO:0859267, OMIM 619975.

Submissions (3):

Myriad Genetics, Inc.
Classification: Benign for Tumor predisposition syndrome 2. Last evaluated: 2026-06-09. Review status: criteria provided, single submitter. Criteria: Myriad Autosomal Dominant, Autosomal Recessive and X-Linked Classification Criteria (2023). Collection method: clinical testing. Allele origin: unknown.
Comment: This variant is considered benign. This variant is a silent/synonymous amino acid change and it is not expected to impact splicing.

Ambry Genetics
Classification: Uncertain significance for Inborn genetic diseases. Last evaluated: 2025-06-04. Review status: criteria provided, single submitter. Criteria: Ambry Variant Classification Scheme 2023. Collection method: clinical testing. Allele origin: germline.
Comment: The c.282G>T variant (also known as p.V94V), located in coding exon 2 of the MBD4 gene, results from a G to T substitution at nucleotide position 282. This nucleotide substitution does not change the amino acid at codon 94. This nucleotide position is well conserved in available vertebrate species. In silico splice site analysis predicts that this alteration will not have any significant effect on splicing; however, direct evidence is insufficient at this time (Ambry internal data). Based on the available evidence, the clinical significance of this variant remains unclear.

Labcorp Genetics (formerly Invitae), Labcorp
Classification: Likely benign. Last evaluated: 2025-03-17. Review status: criteria provided, single submitter. Criteria: Invitae Variant Classification Sherloc (09022015). Collection method: clinical testing. Allele origin: germline.

NM_001276270.2(MBD4):c.282G>T (p.Val94=)

Gene: MBD4 (methyl-CpG binding domain 4, DNA glycosylase; minus strand). Cytogenetic location: 3q21.3.
Variant type: single nucleotide variant.
Coding change: c.282G>T on transcript NM_001276270.2 (MANE Select); coding-DNA position 282, G replaced by T.
Protein change: p.Val94=; no amino-acid change (valine 94 retained).
Molecular consequence: synonymous variant. On other transcripts: intron variant (1).
Genome position (GRCh38, 1-based): chr3:129,437,773, C>A on the plus strand (G>T on the coding strand, the complement: MBD4 is on the minus strand). VCF-style: chr3-129437773-C-A. GRCh37 (hg19) VCF-style: chr3-129156616-C-A.
Other names: c.282G>T, p.Val94= (NM_001276271.2, NM_001276272.2, NM_003925.3); c.247+35G>T (NM_001276273.2).
Identifiers: ClinVar variation 2794116 (VCV002794116.5), dbSNP rs766496861, ClinGen allele CA435768471.
Genomic context (GRCh38, chr3:129,437,773, plus strand): 5'-TGCTTACCTGATAAAGTACACATCAAATCTTCCTGCTGTCTTCCCAAATAACCTTTGCTT[C>A]ACAACTCTTTCCCATCCACATGGGACAGACTTACGGCATTCTGTTCCTGCAGTAGCACCA-3'
Protein context (NP_001263199.1, residues 84-104): KSVPCGWERV[Val94=]KQRLFGKTAG